The following is an entry in ClinVar:

ClinVar aggregate classification (germline): Likely pathogenic (1 of 4 stars; one submission).

gnomAD v4.1: 1 of 1,614,010 alleles (0.000062%); highest among the groups gnomAD compares: Admixed American, 0.0017%; no homozygotes.

Submission:

Labcorp Genetics (formerly Invitae), Labcorp
Classification: Likely pathogenic. Last evaluated: 2024-10-01. Review status: criteria provided, single submitter. Criteria: Invitae Variant Classification Sherloc (09022015). Collection method: clinical testing. Allele origin: germline.
Comment: This sequence change affects a donor splice site in intron 9 of the PDZD7 gene. It is expected to disrupt RNA splicing. Variants that disrupt the donor or acceptor splice site typically lead to a loss of protein function (PMID: 16199547), and loss-of-function variants in PDZD7 are known to be pathogenic (PMID: 20440071). This variant is present in population databases (no rsID available, gnomAD 0.003%). This variant has not been reported in the literature in individuals affected with PDZD7-related conditions. In summary, the currently available evidence indicates that the variant is pathogenic, but additional data are needed to prove that conclusively. Therefore, this variant has been classified as Likely Pathogenic.

Literature cited by the submitters: PubMed 16199547; PubMed 20440071.

NM_001195263.2(PDZD7):c.1522+2T>C

Gene: PDZD7 (PDZ domain containing 7; minus strand). Cytogenetic location: 10q24.31.
Variant type: single nucleotide variant.
Coding change: c.1522+2T>C on transcript NM_001195263.2 (MANE Select); the canonical splice donor site of the intron after coding-DNA position 1522, T replaced by C.
Molecular consequence: splice donor variant.
Genome position (GRCh38, 1-based): chr10:101,018,097, A>G on the plus strand (T>C on the coding strand, the complement: PDZD7 is on the minus strand). VCF-style: chr10-101018097-A-G. GRCh37 (hg19) VCF-style: chr10-102777854-A-G.
Other names: c.1522+2T>C (NM_024895.5); c.1550+2T>C (NM_001351044.2).
Identifiers: ClinVar variation 3708665 (VCV003708665.2).
Genomic context (GRCh38, chr10:101,018,097, plus strand): 5'-TGCTGAATGCCGAAGCTAGTGGACTTCACTTTGCCTTCCTGTTTGATCAGCCCACTACTT[A>G]CCTTTCTCTATGTCCAGGCGAGGGTAAGTTTTGGCCAGGCTCCCGCTGTCCAGTGTCCAG-3'